The following is an entry in ClinVar:

ClinVar aggregate classification (germline): Conflicting classifications of pathogenicity. Review status: criteria provided, conflicting classifications (1 of 4 stars). 9 submissions from 9 submitters: Uncertain significance (1); Likely benign (7). 1 of the submissions does not count toward it. Last evaluated 2026-07-01.

Conditions:
Inborn genetic diseases. Identifiers: MedGen C0950123, MeSH D030342.
Progressive pseudorheumatoid dysplasia (PPRD). Also called: SPONDYLOEPIPHYSEAL DYSPLASIA TARDA WITH PROGRESSIVE ARTHROPATHY; Progressive Pseudorheumatoid Arthropathy of Childhood. Identifiers: Orphanet 1159, MedGen C0432215, MONDO:0008827, OMIM 208230. Disease mechanism: loss of function.
CCN6-related disorder. Also called: CCN6-related condition.

Allele frequency attached by ClinVar (database versions not stated): 1000 Genomes Project 0.00020; 1000 Genomes Project 30x 0.00031; gnomAD 0.00175; TOPMed 0.00192; gnomAD exomes 0.00196; ExAC 0.00199; ESP Exome Variant Server 0.00346.
gnomAD v4.1: 4,714 of 1,614,056 alleles (0.29%); highest among the groups gnomAD compares: Middle Eastern, 0.51%; 6 homozygotes.

Submissions (9):

CeGaT Center for Human Genetics Tuebingen
Classification: Likely benign. Last evaluated: 2026-07-01. Review status: criteria provided, single submitter. Criteria: CeGaT Center For Human Genetics Tuebingen Variant Classification Criteria Version 2. Collection method: clinical testing. Allele origin: germline. Affected: yes. Observed: 7 variant alleles.
Comment: CCN6: BP4

Labcorp Genetics (formerly Invitae), Labcorp
Classification: Likely benign. Last evaluated: 2026-02-04. Review status: criteria provided, single submitter. Criteria: Invitae Variant Classification Sherloc (09022015). Collection method: clinical testing. Allele origin: germline.

Blueprint Genetics
Classification: Likely benign. Last evaluated: 2024-11-25. Review status: criteria provided, single submitter. Criteria: ACMG Guidelines, 2015. Collection method: clinical testing. Allele origin: germline.

ARUP Laboratories, Molecular Genetics and Genomics, ARUP Laboratories
Classification: Likely benign for Progressive pseudorheumatoid dysplasia. Last evaluated: 2024-07-22. Review status: criteria provided, single submitter. Criteria: ARUP Molecular Germline Variant Investigation Process 2024. Collection method: clinical testing. Allele origin: germline.

Ambry Genetics
Classification: Uncertain significance for Inborn genetic diseases. Last evaluated: 2021-07-09. Review status: criteria provided, single submitter. Criteria: Ambry Variant Classification Scheme 2023. Collection method: clinical testing. Allele origin: germline.

Illumina Laboratory Services, Illumina
Classification: Likely benign for Progressive pseudorheumatoid dysplasia. Last evaluated: 2018-01-13. Review status: criteria provided, single submitter. Criteria: ICSL Variant Classification Criteria 13 December 2019. Collection method: clinical testing. Allele origin: germline.
Comment: This variant was observed in the ICSL laboratory as part of a predisposition screen in an ostensibly healthy population. It had not been previously curated by ICSL or reported in the Human Gene Mutation Database (HGMD: prior to June 1st, 2018), and was therefore a candidate for classification through an automated scoring system. Utilizing variant allele frequency, disease prevalence and penetrance estimates, and inheritance mode, an automated score was calculated to assess if this variant is too frequent to cause the disease. Based on the score and internal cut-off values, a variant classified as likely benign is not then subjected to further curation. The score for this variant resulted in a classification of likely benign for this disease.

Eurofins Ntd Llc (ga)
Classification: Likely benign. Last evaluated: 2017-07-11. Review status: criteria provided, single submitter. Criteria: EGL Classification Definitions 2015. Collection method: clinical testing. Allele origin: germline. Observed: 1 variant allele, 1 heterozygote.

Breakthrough Genomics
Classification: Likely benign. Review status: criteria provided, single submitter. Criteria: ACMG Guidelines, 2015. Collection method: not provided. Allele origin: germline. Inheritance: Autosomal recessive inheritance. Affected: yes.

PreventionGenetics, part of Exact Sciences
Classification: Likely benign for CCN6-related condition. Last evaluated: 2024-03-18. Review status: no assertion criteria provided. Collection method: clinical testing. Allele origin: germline. Not counted in ClinVar's aggregate classification.
Comment: This variant is classified as likely benign based on ACMG/AMP sequence variant interpretation guidelines (Richards et al. 2015 PMID: 25741868, with internal and published modifications).

NM_198239.2(CCN6):c.91C>A (p.Pro31Thr)

Gene: CCN6 (cellular communication network factor 6; plus strand). Cytogenetic location: 6q21.
Variant type: single nucleotide variant.
Coding change: c.91C>A on transcript NM_198239.2 (MANE Select); coding-DNA position 91, C replaced by A.
Protein change: p.Pro31Thr; replaces proline 31 with threonine.
Molecular consequence: missense variant. On other transcripts: non-coding transcript variant (2).
Genome position (GRCh38, 1-based): chr6:112,061,033, C>A. VCF-style: chr6-112061033-C-A. GRCh37 (hg19) VCF-style: chr6-112382236-C-A.
Other names: c.91C>A, p.Pro31Thr (NM_003880.4); short protein forms P31T.
Identifiers: ClinVar variation 355059 (VCV000355059.47), dbSNP rs145590972, ClinGen allele CA3963911.